The following is an entry in ClinVar:

NM_001008216.2(GALE):c.151_154del (p.Arg51fs)

Gene: GALE (UDP-galactose-4-epimerase; minus strand). Cytogenetic location: 1p36.11.
Variant type: Deletion.
Coding change: c.151_154del on transcript NM_001008216.2 (MANE Select); coding-DNA positions 151 to 154, 4 bases deleted (CGGG; older notation c.151_154delCGGG).
Protein change: p.Arg51fs; shifts the reading frame from arginine 51.
Molecular consequence: frameshift variant.
Genome position (GRCh38, 1-based): chr1:23,798,698-23,798,701, CCCG deleted on the plus strand (CGGG on the coding strand, the reverse complement: GALE is on the minus strand); deleting any 4 consecutive bases within chr1:23,798,698-23,798,703 gives the same sequence; the c. name uses the placement nearest the transcript's 3' end. VCF-style (leftmost placement, unchanged base first): chr1-23798697-ACCCG-A. GRCh37 (hg19) VCF-style: chr1-24125187-ACCCG-A.
Other names: c.151_154del, p.Arg51fs (NM_000403.4, NM_001127621.2); short protein forms R51fs.
Identifiers: ClinVar variation 2876476 (VCV002876476.5), dbSNP rs780861587, ClinGen allele CA685770.

ClinVar aggregate classification (germline): Pathogenic/Likely pathogenic. Review status: criteria provided, multiple submitters, no conflicts (2 of 4 stars). 2 submissions from 2 submitters: Pathogenic (1); Likely pathogenic (1). Last evaluated 2024-06-12.

Conditions:
UDPglucose-4-epimerase deficiency. Also called: UDPglucose 4-Epimerase Deficiency Disease; Epimerase Deficiency Galactosemia; GALACTOSEMIA III; GALE DEFICIENCY; UDP-GALACTOSE-4-EPIMERASE DEFICIENCY; Galactose epimerase deficiency. Identifiers: Orphanet 352, Orphanet 79238, MedGen C0751161, MONDO:0009257, OMIM 230350.
Thrombocytopenia 13, syndromic. Also called: THROMBOCYTOPENIA, AUTOSOMAL RECESSIVE, 13. Identifiers: MedGen C5935599, MONDO:0958333, OMIM 620776.

Submissions (2):

Fulgent Genetics
Classification: Likely pathogenic for UDPglucose-4-epimerase deficiency; Thrombocytopenia 13, syndromic. Last evaluated: 2024-06-12. Review status: criteria provided, single submitter. Criteria: ACMG Guidelines, 2015. Collection method: clinical testing. Allele origin: germline.

Labcorp Genetics (formerly Invitae), Labcorp
Classification: Pathogenic for UDPglucose-4-epimerase deficiency. Last evaluated: 2023-11-01. Review status: criteria provided, single submitter. Criteria: Invitae Variant Classification Sherloc (09022015). Collection method: clinical testing. Allele origin: germline.
Comment: This sequence change creates a premature translational stop signal (p.Arg51Serfs*4) in the GALE gene. It is expected to result in an absent or disrupted protein product. Loss-of-function variants in GALE are known to be pathogenic (PMID: 16301867). The frequency data for this variant in the population databases is considered unreliable, as metrics indicate poor data quality at this position in the gnomAD database. This variant has not been reported in the literature in individuals affected with GALE-related conditions. For these reasons, this variant has been classified as Pathogenic.

Literature cited by the submitters: PubMed 16301867 (cited by Labcorp Genetics (formerly Invitae), Labcorp).